The following is an entry in ClinVar:

NM_001111125.3(IQSEC2):c.1415C>A (p.Ala472Asp)

Gene: IQSEC2 (IQ motif and Sec7 domain ArfGEF 2; minus strand). Cytogenetic location: Xp11.22.
Variant type: single nucleotide variant.
Coding change: c.1415C>A on transcript NM_001111125.3 (MANE Select); coding-DNA position 1415, C replaced by A.
Protein change: p.Ala472Asp; replaces alanine 472 with aspartic acid.
Molecular consequence: missense variant.
Genome position (GRCh38, 1-based): chrX:53,251,161, G>T on the plus strand (C>A on the coding strand, the complement: IQSEC2 is on the minus strand). VCF-style: chrX-53251161-G-T. GRCh37 (hg19) VCF-style: chrX-53280343-G-T.
Other names: c.1415C>A, p.Ala472Asp (NM_001410736.1); c.800C>A, p.Ala267Asp (NM_015075.2); short protein forms A267D, A472D.
Identifiers: ClinVar variation 2088140 (VCV002088140.4), dbSNP rs2147104647, ClinGen allele CA413166850.

ClinVar aggregate classification (germline): Uncertain significance (1 of 4 stars; one submission).

Conditions:
Intellectual developmental disorder, X-linked 1. Also called: Atkin Flaitz Patil Smith syndrome; Intellectual disability, X-linked 1; MENTAL RETARDATION, X-LINKED 18; MENTAL RETARDATION, X-LINKED 78. Identifiers: Orphanet 777, MedGen C2931498, MONDO:0010656, OMIM 309530.

Submission:

Labcorp Genetics (formerly Invitae), Labcorp
Classification: Uncertain significance for Intellectual developmental disorder, X-linked 1. Last evaluated: 2022-01-19. Review status: criteria provided, single submitter. Criteria: Invitae Variant Classification Sherloc (09022015). Collection method: clinical testing. Allele origin: germline.
Comment: This sequence change replaces alanine, which is neutral and non-polar, with aspartic acid, which is acidic and polar, at codon 472 of the IQSEC2 protein (p.Ala472Asp). This variant is not present in population databases (gnomAD no frequency). In summary, the available evidence is currently insufficient to determine the role of this variant in disease. Therefore, it has been classified as a Variant of Uncertain Significance. Advanced modeling of protein sequence and biophysical properties (such as structural, functional, and spatial information, amino acid conservation, physicochemical variation, residue mobility, and thermodynamic stability) performed at Invitae indicates that this missense variant is expected to disrupt IQSEC2 protein function. This variant has not been reported in the literature in individuals affected with IQSEC2-related conditions.